The following is an entry in ClinVar:

NM_000346.4(SOX9):c.596C>A (p.Ser199Tyr)

Gene: SOX9 (SRY-box transcription factor 9; plus strand). Cytogenetic location: 17q24.3.
Variant type: single nucleotide variant.
Coding change: c.596C>A on transcript NM_000346.4 (MANE Select); coding-DNA position 596, C replaced by A.
Protein change: p.Ser199Tyr; replaces serine 199 with tyrosine.
Molecular consequence: missense variant.
Genome position (GRCh38, 1-based): chr17:72,122,883, C>A. VCF-style: chr17-72122883-C-A. GRCh37 (hg19) VCF-style: chr17-70119024-C-A.
Other names: short protein forms S199Y.
Identifiers: ClinVar variation 4693885 (VCV004693885.1).

ClinVar aggregate classification (germline): Uncertain significance (1 of 4 stars; one submission).

Conditions:
Camptomelic dysplasia (CMPD). Also called: Campomelic Dysplasia; CMPD1/SRA1. Identifiers: Orphanet 140, MedGen C1861922, MONDO:0007251, OMIM 114290.

gnomAD v4.1: 2 of 1,614,140 alleles (0.00012%); highest among the groups gnomAD compares: Admixed American, 0.0017%; no homozygotes.

Submission:

Labcorp Genetics (formerly Invitae), Labcorp
Classification: Uncertain significance for Camptomelic dysplasia. Last evaluated: 2025-12-08. Review status: criteria provided, single submitter. Criteria: Invitae Variant Classification Sherloc (09022015). Collection method: clinical testing. Allele origin: germline.
Comment: This sequence change replaces serine, which is neutral and polar, with tyrosine, which is neutral and polar, at codon 199 of the SOX9 protein (p.Ser199Tyr). This variant is present in population databases (rs762685531, gnomAD 0.006%). This variant has not been reported in the literature in individuals affected with SOX9-related conditions. Invitae Evidence Modeling of protein sequence and biophysical properties (such as structural, functional, and spatial information, amino acid conservation, physicochemical variation, residue mobility, and thermodynamic stability) has been performed for this missense variant. However, the output from this modeling did not meet the statistical confidence thresholds required to predict the impact of this variant on SOX9 protein function. In summary, the available evidence is currently insufficient to determine the role of this variant in disease. Therefore, it has been classified as a Variant of Uncertain Significance.